The following is an entry in ClinVar:

NM_153676.4(USH1C):c.1488G>A (p.Thr496=)

Gene: USH1C (USH1 protein network component harmonin; minus strand). Cytogenetic location: 11p15.1.
Variant type: single nucleotide variant.
Coding change: c.1488G>A on transcript NM_153676.4 (MANE Select); coding-DNA position 1488, G replaced by A.
Protein change: p.Thr496=; no amino-acid change (threonine 496 retained).
Molecular consequence: synonymous variant. On other transcripts: intron variant (11).
Genome position (GRCh38, 1-based): chr11:17,510,447, C>T on the plus strand (G>A on the coding strand, the complement: USH1C is on the minus strand). VCF-style: chr11-17510447-C-T. GRCh37 (hg19) VCF-style: chr11-17531994-C-T.
Other names: c.1227+6954G>A (NM_001297764.2); c.1210+10423G>A (NM_001440687.1); c.1413+1455G>A (NM_001440681.1); c.1284+6954G>A (NM_001440685.1, NM_005709.4, NM_001440682.1); c.1285-5750G>A (NM_001440683.1); c.1437+1455G>A (NM_001440680.1); c.1260+6954G>A (NM_001440686.1); c.1317+6954G>A (NM_001440684.1); and 1 more.
Identifiers: ClinVar variation 4280838 (VCV004280838.7).

ClinVar aggregate classification (germline): Likely benign (1 of 4 stars; one submission).

gnomAD v4.1: 12 of 1,612,932 alleles (0.00074%); highest among the groups gnomAD compares: East Asian, 0.0045%; no homozygotes.

Submission:

CeGaT Center for Human Genetics Tuebingen
Classification: Likely benign. Last evaluated: 2025-09-01. Review status: criteria provided, single submitter. Criteria: CeGaT Center For Human Genetics Tuebingen Variant Classification Criteria Version 2. Collection method: clinical testing. Allele origin: germline. Affected: yes. Observed: 1 variant allele.
Comment: USH1C: BP4, BP7